The following is an entry in ClinVar:

NM_004304.5(ALK):c.1105A>G (p.Asn369Asp)

Gene: ALK (ALK receptor tyrosine kinase; minus strand). Cytogenetic location: 2p23.2.
Variant type: single nucleotide variant.
Coding change: c.1105A>G on transcript NM_004304.5 (MANE Select); coding-DNA position 1105, A replaced by G.
Protein change: p.Asn369Asp; replaces asparagine 369 with aspartic acid.
Molecular consequence: missense variant.
Genome position (GRCh38, 1-based): chr2:29,531,964, T>C on the plus strand (A>G on the coding strand, the complement: ALK is on the minus strand). VCF-style: chr2-29531964-T-C. GRCh37 (hg19) VCF-style: chr2-29754830-T-C.
Other names: short protein forms N369D.
Identifiers: ClinVar variation 4543802 (VCV004543802.1).

ClinVar aggregate classification (germline): Uncertain significance (1 of 4 stars; one submission).

Conditions:
Hereditary cancer-predisposing syndrome. Also called: Tumor predisposition; Hereditary Cancer Syndrome; Hereditary neoplastic syndrome; Neoplastic Syndromes, Hereditary. Identifiers: Orphanet 140162, MedGen C0027672, MeSH D009386, MONDO:0015356.

Submission:

Ambry Genetics
Classification: Uncertain significance for Hereditary cancer-predisposing syndrome. Last evaluated: 2025-12-07. Review status: criteria provided, single submitter. Criteria: Ambry Variant Classification Scheme 2023. Collection method: clinical testing. Allele origin: germline.
Comment: The p.N369D variant (also known as c.1105A>G), located in coding exon 4 of the ALK gene, results from an A to G substitution at nucleotide position 1105. The asparagine at codon 369 is replaced by aspartic acid, an amino acid with highly similar properties. This amino acid position is conserved. In addition, this alteration is predicted to be tolerated by in silico analysis. Based on the available evidence, the clinical significance of this variant remains unclear.